The following is an entry in ClinVar:

NM_001261826.3(AP3D1):c.1102-5C>T

Gene: AP3D1 (adaptor related protein complex 3 subunit delta 1; minus strand). Cytogenetic location: 19p13.3.
Variant type: single nucleotide variant.
Coding change: c.1102-5C>T on transcript NM_001261826.3 (MANE Select); 5 bases into the intron before coding-DNA position 1102, C replaced by T.
Molecular consequence: intron variant.
Genome position (GRCh38, 1-based): chr19:2,121,316, G>A on the plus strand (C>T on the coding strand, the complement: AP3D1 is on the minus strand). VCF-style: chr19-2121316-G-A. GRCh37 (hg19) VCF-style: chr19-2121315-G-A.
Other names: c.1102-5C>T (NM_003938.8, NM_001374799.1).
Identifiers: ClinVar variation 2230764 (VCV002230764.2), dbSNP rs1217573083, ClinGen allele CA631304845.
Genomic context (GRCh38, chr19:2,121,316, plus strand): 5'-TTGTCTACGTGGGTCATCAGCTTCTTCACGATCTCCATCAGGTTCTTCTTGGACACCTGG[G>A]CAAAAGTGTACAGACAGTGGTGAGAGCGGACCCAGCCTGGGGCCTGCTTGGTGAGACACC-3'

ClinVar aggregate classification (germline): Uncertain significance (1 of 4 stars; one submission).

Conditions:
Inborn genetic diseases. Identifiers: MedGen C0950123, MeSH D030342.

Allele frequency attached by ClinVar (database versions not stated): TOPMed 0.00001; gnomAD 0.00002.
gnomAD v4.1: 3 of 1,613,896 alleles (0.00019%); highest among the groups gnomAD compares: East Asian, 0.0067%; no homozygotes.

Submission:

Ambry Genetics
Classification: Uncertain significance for Inborn genetic diseases. Last evaluated: 2021-05-21. Review status: criteria provided, single submitter. Criteria: Ambry Variant Classification Scheme 2023. Collection method: clinical testing. Allele origin: germline.
Comment: The c.1102-5C>T intronic alteration consists of a C to T substitution 5 nucleotides before coding exon 13 in the AP3D1 gene. Based on insufficient or conflicting evidence, the clinical significance of this alteration remains unclear.